The following is an entry in ClinVar:

ClinVar aggregate classification (germline): Uncertain significance (1 of 4 stars; one submission).

Allele frequency attached by ClinVar (database versions not stated): gnomAD exomes below 0.00001.
gnomAD v4.1: 2 of 1,611,784 alleles (0.00012%); highest among the groups gnomAD compares: Non-Finnish European, 0.00017%; no homozygotes.

Submission:

Labcorp Genetics (formerly Invitae), Labcorp
Classification: Uncertain significance. Last evaluated: 2024-02-22. Review status: criteria provided, single submitter. Criteria: Invitae Variant Classification Sherloc (09022015). Collection method: clinical testing. Allele origin: germline.
Comment: This sequence change replaces leucine, which is neutral and non-polar, with methionine, which is neutral and non-polar, at codon 3 of the NRL protein (p.Leu3Met). This variant is not present in population databases (gnomAD no frequency). This variant has not been reported in the literature in individuals affected with NRL-related conditions. ClinVar contains an entry for this variant (Variation ID: 1053888). An algorithm developed to predict the effect of missense changes on protein structure and function (PolyPhen-2) suggests that this variant is likely to be tolerated. In summary, the available evidence is currently insufficient to determine the role of this variant in disease. Therefore, it has been classified as a Variant of Uncertain Significance.

NM_001354768.3(NRL):c.7C>A (p.Leu3Met)

Gene: NRL (neural retina leucine zipper; minus strand). Cytogenetic location: 14q11.2.
Variant type: single nucleotide variant.
Coding change: c.7C>A on transcript NM_001354768.3 (MANE Select); coding-DNA position 7, C replaced by A.
Protein change: p.Leu3Met; replaces leucine 3 with methionine.
Molecular consequence: missense variant.
Genome position (GRCh38, 1-based): chr14:24,082,842, G>T on the plus strand (C>A on the coding strand, the complement: NRL is on the minus strand). VCF-style: chr14-24082842-G-T. GRCh37 (hg19) VCF-style: chr14-24552051-G-T.
Other names: c.7C>A, p.Leu3Met (NM_001354769.1, NM_001354770.2, NM_006177.5); short protein forms L3M.
Identifiers: ClinVar variation 1053888 (VCV001053888.9), dbSNP rs2138876531, ClinGen allele CA389283250.
Genomic context (GRCh38, chr14:24,082,842, plus strand): 5'-CCTCAAACTTCATCAAGTCAAAGTCATTGACATATTCCATGGCCAGGGGGCTGGGGGGCA[G>T]GGCCATTCTGGAGCTGGGCTGGGAGGAGTGCACCTGCAAAGAGGAGGAGAGGTCTGGAGC-3'
Protein context (NP_001341697.1, residues 1-13): MA[Leu3Met]PPSPLAMEYV